The following is an entry in ClinVar:

NM_000548.5(TSC2):c.3284+5C>T

Gene: TSC2 (TSC complex subunit 2; plus strand). Cytogenetic location: 16p13.3.
Variant type: single nucleotide variant.
Coding change: c.3284+5C>T on transcript NM_000548.5 (MANE Select); 5 bases into the intron after coding-DNA position 3284, C replaced by T.
Molecular consequence: intron variant.
Genome position (GRCh38, 1-based): chr16:2,079,433, C>T. VCF-style: chr16-2079433-C-T. GRCh37 (hg19) VCF-style: chr16-2129434-C-T.
Other names: c.1811+5C>T (NM_001406693.1, NM_001406690.1, NM_001406692.1 and 1 more transcripts); c.3245+5C>T (NM_001406667.1); c.3242+5C>T (NM_001406668.1); c.2684+5C>T (NM_001406680.1, NM_001406683.1, NM_001406682.1); c.2552+5C>T (NM_001406687.1, NM_001318831.2, NM_001406688.1); c.1940+5C>T (NM_001406689.1); c.1808+5C>T (NM_001406691.1, NM_001406697.1, NM_001406695.1 and 1 more transcripts); c.1550+5C>T (NM_001406698.1); and 18 more.
Identifiers: ClinVar variation 3462629 (VCV003462629.1).

ClinVar aggregate classification (germline): Uncertain significance (1 of 4 stars; one submission).

Conditions:
Hereditary cancer-predisposing syndrome. Also called: Tumor predisposition; Neoplastic Syndromes, Hereditary; Hereditary neoplastic syndrome; Hereditary Cancer Syndrome. Identifiers: Orphanet 140162, MedGen C0027672, MeSH D009386, MONDO:0015356.

Submission:

Ambry Genetics
Classification: Uncertain significance for Hereditary cancer-predisposing syndrome. Last evaluated: 2024-10-05. Review status: criteria provided, single submitter. Criteria: Ambry Variant Classification Scheme 2023. Collection method: clinical testing. Allele origin: germline.
Comment: The c.3284+5C>T intronic variant results from a C to T substitution 5 nucleotides after coding exon 27 in the TSC2 gene. This nucleotide position is not well conserved in available vertebrate species. In silico splice site analysis predicts that this alteration will not have any significant effect on splicing. Based on the available evidence, the clinical significance of this variant remains unclear.